The following is an entry in ClinVar:

ClinVar aggregate classification (germline): Uncertain significance. Review status: criteria provided, multiple submitters, no conflicts (2 of 4 stars). 4 submissions from 4 submitters: Uncertain significance (4). Last evaluated 2024-08-01.

Conditions:
Fetal akinesia deformation sequence 1 (FADS1). Also called: Pena-Shokeir syndrome type I; Fetal akinesia sequence. Identifiers: Orphanet 994, MedGen C1276035, MONDO:0100101, OMIM 208150, HP:0001989.
Congenital myasthenic syndrome 9. Also called: Myasthenic syndrome, congenital, 9, associated with acetylcholine receptor deficiency. Identifiers: Orphanet 590, MedGen C4225368, MONDO:0014587, OMIM 616325.
Inborn genetic diseases. Identifiers: MedGen C0950123, MeSH D030342.

Allele frequency attached by ClinVar (database versions not stated): gnomAD 0.00002; TOPMed 0.00002.
gnomAD v4.1: 27 of 1,613,832 alleles (0.0017%); highest among the groups gnomAD compares: Non-Finnish European, 0.0022%; no homozygotes.

Submissions (4):

Ambry Genetics
Classification: Uncertain significance for Inborn genetic diseases. Last evaluated: 2024-08-01. Review status: criteria provided, single submitter. Criteria: Ambry Variant Classification Scheme 2023. Collection method: clinical testing. Allele origin: germline.

Blueprint Genetics
Classification: Uncertain significance. Last evaluated: 2024-06-27. Review status: criteria provided, single submitter. Criteria: ACMG Guidelines, 2015. Collection method: clinical testing. Allele origin: germline.

Labcorp Genetics (formerly Invitae), Labcorp
Classification: Uncertain significance for Congenital myasthenic syndrome 9; Fetal akinesia deformation sequence 1. Last evaluated: 2021-12-11. Review status: criteria provided, single submitter. Criteria: Invitae Variant Classification Sherloc (09022015). Collection method: clinical testing. Allele origin: germline.
Comment: This sequence change replaces tyrosine, which is neutral and polar, with asparagine, which is neutral and polar, at codon 600 of the MUSK protein (p.Tyr600Asn). This variant is present in population databases (rs147562871, gnomAD 0.004%). This variant has not been reported in the literature in individuals affected with MUSK-related conditions. ClinVar contains an entry for this variant (Variation ID: 844158). Advanced modeling of protein sequence and biophysical properties (such as structural, functional, and spatial information, amino acid conservation, physicochemical variation, residue mobility, and thermodynamic stability) performed at Invitae indicates that this missense variant is not expected to disrupt MUSK protein function. In summary, the available evidence is currently insufficient to determine the role of this variant in disease. Therefore, it has been classified as a Variant of Uncertain Significance.

Revvity Omics, Revvity
Classification: Uncertain significance. Last evaluated: 2019-06-17. Review status: criteria provided, single submitter. Criteria: ACMG Guidelines, 2015. Collection method: clinical testing. Allele origin: germline.

NM_005592.4(MUSK):c.1798T>A (p.Tyr600Asn)

Gene: MUSK (muscle associated receptor tyrosine kinase; plus strand). Cytogenetic location: 9q31.3.
Variant type: single nucleotide variant.
Coding change: c.1798T>A on transcript NM_005592.4 (MANE Select); coding-DNA position 1798, T replaced by A.
Protein change: p.Tyr600Asn; replaces tyrosine 600 with asparagine.
Molecular consequence: missense variant.
Genome position (GRCh38, 1-based): chr9:110,787,709, T>A. VCF-style: chr9-110787709-T-A. GRCh37 (hg19) VCF-style: chr9-113549989-T-A.
Other names: c.1540T>A, p.Tyr514Asn (NM_001166280.2); c.1510T>A, p.Tyr504Asn (NM_001166281.2); c.538T>A, p.Tyr180Asn (NM_001369398.1); short protein forms Y180N, Y504N, Y514N, Y600N.
Identifiers: ClinVar variation 844158 (VCV000844158.9), dbSNP rs147562871, ClinGen allele CA5184474.